The following is an entry in ClinVar:

NM_014249.4(NR2E3):c.199dup (p.Cys67fs)

Gene: NR2E3 (nuclear receptor subfamily 2 group E member 3; plus strand). Cytogenetic location: 15q23.
Variant type: Duplication.
Coding change: c.199dup on transcript NM_014249.4 (MANE Select); coding-DNA position 199, one base duplicated (T; older notation c.199dupT).
Protein change: p.Cys67fs; shifts the reading frame from cysteine 67.
Molecular consequence: frameshift variant.
Genome position (GRCh38, 1-based): chr15:71,811,563, T duplicated. VCF-style (leftmost placement, unchanged base first): chr15-71811562-C-CT. GRCh37 (hg19) VCF-style: chr15-72103902-C-CT.
Other names: c.199dup, p.Cys67fs (NM_016346.4); short protein forms C67fs.
Identifiers: ClinVar variation 2015692 (VCV002015692.5), dbSNP rs2543253289, ClinGen allele CA2575777598.
Genomic context (GRCh38, chr15:71,811,562, plus strand): 5'-GTGCCGCGTGTGCGGAGACAGCAGCAGCGGGAAGCACTATGGCATCTATGCCTGCAACGG[C>CT]TGCAGCGGCTTCTTCAAGAGGAGCGTACGGCGGAGGCTCATCTACAGGTGAGTGCGGTGG-3'

ClinVar aggregate classification (germline): Pathogenic. Review status: criteria provided, multiple submitters, no conflicts (2 of 4 stars). 2 submissions from 2 submitters: Pathogenic (2). Last evaluated 2025-12-16.

Conditions:
ENHANCED S-CONE SYNDROME 1 (ESCS1). Also called: RETINOSCHISIS WITH EARLY HEMERALOPIA; FAVRE HYALOIDEORETINAL DEGENERATION. Identifiers: MedGen CN380299, OMIM 268100.

Submissions (2):

Myriad Genetics, Inc.
Classification: Pathogenic for ENHANCED S-CONE SYNDROME 1. Last evaluated: 2025-12-16. Review status: criteria provided, single submitter. Criteria: Myriad Autosomal Dominant, Autosomal Recessive and X-Linked Classification Criteria (2023). Collection method: clinical testing. Allele origin: unknown.
Comment: NM_014249.2(NR2E3):c.199dupT(C67Lfs*74) is a frameshift variant classified as pathogenic in the context of enhanced S-cone syndrome. C67Lfs*74 has not been observed in cases with relevant disease. Relevant functional assessments of this variant are not available in the literature. C67Lfs*74 has not been observed in referenced population frequency databases. In summary, NM_014249.2(NR2E3):c.199dupT(C67Lfs*74) is a frameshift variant in a gene where loss of function is a known mechanism of disease and is predicted to disrupt protein function. Please note: this variant was assessed in the context of healthy population screening.

Labcorp Genetics (formerly Invitae), Labcorp
Classification: Pathogenic. Last evaluated: 2022-09-07. Review status: criteria provided, single submitter. Criteria: Invitae Variant Classification Sherloc (09022015). Collection method: clinical testing. Allele origin: germline.
Comment: For these reasons, this variant has been classified as Pathogenic. This variant has not been reported in the literature in individuals affected with NR2E3-related conditions. This variant is not present in population databases (gnomAD no frequency). This sequence change creates a premature translational stop signal (p.Cys67Leufs*74) in the NR2E3 gene. It is expected to result in an absent or disrupted protein product. Loss-of-function variants in NR2E3 are known to be pathogenic (PMID: 15459973, 27522502).

Literature cited by the submitters: PubMed 15459973 (cited by Labcorp Genetics (formerly Invitae), Labcorp); PubMed 27522502 (cited by Labcorp Genetics (formerly Invitae), Labcorp).